The following is an entry in ClinVar:

ClinVar aggregate classification (germline): Benign. Review status: criteria provided, multiple submitters, no conflicts (2 of 4 stars). 4 submissions from 4 submitters: Benign (3). 1 of the submissions does not count toward it. Last evaluated 2026-02-02.

Conditions:
DSG1-related disorder. Also called: DSG1-related condition.

Allele frequency attached by ClinVar (database versions not stated): gnomAD 0.04006 and 0.04287; ESP Exome Variant Server 0.04336; 1000 Genomes Project 0.04473; TOPMed 0.04544; 1000 Genomes Project 30x 0.04809; gnomAD exomes 0.00380 and 0.01027; ExAC 0.01259.
gnomAD v4.1: 11,812 of 1,614,142 alleles (0.73%); highest among the groups gnomAD compares: African/African-American, 14%; 797 homozygotes.

Submissions (4):

Labcorp Genetics (formerly Invitae), Labcorp
Classification: Benign. Last evaluated: 2026-02-02. Review status: criteria provided, single submitter. Criteria: Invitae Variant Classification Sherloc (09022015). Collection method: clinical testing. Allele origin: germline.

GeneDx
Classification: Benign. Last evaluated: 2021-05-04. Review status: criteria provided, single submitter. Criteria: GeneDx Variant Classification Process June 2021. Collection method: clinical testing. Allele origin: germline. Affected: yes.

Breakthrough Genomics
Classification: Benign. Review status: criteria provided, single submitter. Criteria: ACMG Guidelines, 2015. Collection method: not provided. Allele origin: germline. Inheritance: Autosomal recessive inheritance. Affected: yes.

PreventionGenetics, part of Exact Sciences
Classification: Benign for DSG1-related condition. Last evaluated: 2020-01-02. Review status: no assertion criteria provided. Collection method: clinical testing. Allele origin: germline. Not counted in ClinVar's aggregate classification.
Comment: This variant is classified as benign based on ACMG/AMP sequence variant interpretation guidelines (Richards et al. 2015 PMID: 25741868, with internal and published modifications).

NM_001942.4(DSG1):c.2462T>A (p.Leu821Gln)

Genes: DSG1 (desmoglein 1; plus strand), DSG1-AS1 (DSG1 antisense RNA 1; minus strand), LOC126862720 (MED14-independent group 3 enhancer GRCh37_chr18:28933613-28934812; plus strand). Cytogenetic location: 18q12.1.
Variant type: single nucleotide variant.
Coding change: c.2462T>A on transcript NM_001942.4 (MANE Select); coding-DNA position 2462, T replaced by A.
Protein change: p.Leu821Gln; replaces leucine 821 with glutamine.
Molecular consequence: missense variant.
Genome position (GRCh38, 1-based): chr18:31,354,658, T>A. VCF-style: chr18-31354658-T-A. GRCh37 (hg19) VCF-style: chr18-28934621-T-A.
Other names: c.2462T>A (NM_001942.3); short protein forms L821Q.
Identifiers: ClinVar variation 1169601 (VCV001169601.13), dbSNP rs16961692, ClinGen allele CA8926365.
Genomic context (GRCh38, chr18:31,354,658, plus strand): 5'-CACATTTCGGCACTACCACAGTAATTTCTGAGAGCACCTATCCCTCGGGACCTGGTGTAC[T>A]GCATCCTAAGCCTATTCTCGATCCTCTGGGCTATGGTAATGTCACTGTGACCGAGTCTTA-3'
Protein context (NP_001933.2, residues 811-831): ESTYPSGPGV[Leu821Gln]HPKPILDPLG